The following is an entry in ClinVar:

ClinVar aggregate classification (germline): Uncertain significance (1 of 4 stars; one submission).

Conditions:
Early-infantile DEE. Also called: Ohtahara syndrome; Early infantile epileptic encephalopathy with suppression bursts; Early infantile epileptic encephalopathy. Identifiers: Orphanet 1934, MedGen C0393706, MONDO:0800491.

Submission:

Labcorp Genetics (formerly Invitae), Labcorp
Classification: Uncertain significance for Early-infantile DEE. Last evaluated: 2020-06-09. Review status: criteria provided, single submitter. Criteria: Invitae Variant Classification Sherloc (09022015). Collection method: clinical testing. Allele origin: germline.
Comment: The frequency data for this variant in the population databases is considered unreliable, as metrics indicate insufficient coverage at this position in the ExAC database. In summary, the available evidence is currently insufficient to determine the role of this variant in disease. Therefore, it has been classified as a Variant of Uncertain Significance. This variant has not been reported in the literature in individuals with CACNA2D2-related conditions. This sequence change replaces arginine with glycine at codon 12 of the CACNA2D2 protein (p.Arg12Gly). The arginine residue is weakly conserved and there is a moderate physicochemical difference between arginine and glycine.

NM_006030.4(CACNA2D2):c.34C>G (p.Arg12Gly)

Gene: CACNA2D2 (calcium voltage-gated channel auxiliary subunit alpha2delta 2; minus strand). Cytogenetic location: 3p21.31.
Variant type: single nucleotide variant.
Coding change: c.34C>G on transcript NM_006030.4 (MANE Select); coding-DNA position 34, C replaced by G.
Protein change: p.Arg12Gly; replaces arginine 12 with glycine.
Molecular consequence: missense variant. On other transcripts: intron variant (1).
Genome position (GRCh38, 1-based): chr3:50,503,390, G>C on the plus strand (C>G on the coding strand, the complement: CACNA2D2 is on the minus strand). VCF-style: chr3-50503390-G-C. GRCh37 (hg19) VCF-style: chr3-50540821-G-C.
Other names: c.34C>G, p.Arg12Gly (NM_001005505.3, NM_001174051.3); c.-2+679C>G (NM_001291101.1); short protein forms R12G.
Identifiers: ClinVar variation 1008391 (VCV001008391.6), dbSNP rs1274971927, ClinGen allele CA353000508.
Genomic context (GRCh38, chr3:50,503,390, plus strand): 5'-CGGGGCCAGGGTGGGGGCCGCAGCCGGGCCAGGGGCGCGCAGTCCGCGCTGGGCCGGGCC[G>C]AGAGGCGCCGCAGGTCCGAGCCGGCACCGCCATGTTTCCATTCAAGATGCGGCGCCGCGG-3'
Protein context (NP_006021.2, residues 2-22): AVPARTCGAS[Arg12Gly]PGPARTARPW